The following is an entry in ClinVar:

NM_006642.5(SDCCAG8):c.1987C>T (p.Leu663=)

Genes: AKT3 (AKT serine/threonine kinase 3; minus strand), SDCCAG8 (SHH signaling and ciliogenesis regulator SDCCAG8; plus strand). Cytogenetic location: 1q43.
Variant type: single nucleotide variant.
Coding change: c.1987C>T on transcript NM_006642.5 (MANE Select); coding-DNA position 1987, C replaced by T.
Protein change: p.Leu663=; no amino-acid change (leucine 663 retained).
Molecular consequence: synonymous variant. On other transcripts: intron variant (1).
Genome position (GRCh38, 1-based): chr1:243,489,015, C>T. VCF-style: chr1-243489015-C-T. GRCh37 (hg19) VCF-style: chr1-243652317-C-T.
Other names: c.1084C>T, p.Leu362= (NM_001350246.2, NM_001350247.2, NM_001350251.2); c.2083C>T, p.Leu695= (NM_001350248.2); c.1693C>T, p.Leu565= (NM_001350249.2); c.*7-565G>A (NM_181690.2).
Identifiers: ClinVar variation 381812 (VCV000381812.6), dbSNP rs751286389, ClinGen allele CA16603600.

ClinVar aggregate classification (germline): Likely benign. Review status: criteria provided, multiple submitters, no conflicts (2 of 4 stars). 2 submissions from 2 submitters: Likely benign (2). Last evaluated 2023-11-02.

Conditions:
Senior-Loken syndrome 7 (SLSN7). Identifiers: Orphanet 3156, MedGen C3150877, MONDO:0013326, OMIM 613615.
Bardet-Biedl syndrome 16 (BBS16). Identifiers: Orphanet 110, MedGen C3889474, MONDO:0014444, OMIM 615993.

Submissions (2):

Labcorp Genetics (formerly Invitae), Labcorp
Classification: Likely benign for Bardet-Biedl syndrome 16; Senior-Loken syndrome 7. Last evaluated: 2023-11-02. Review status: criteria provided, single submitter. Criteria: Invitae Variant Classification Sherloc (09022015). Collection method: clinical testing. Allele origin: germline.

GeneDx
Classification: Likely benign. Last evaluated: 2015-12-07. Review status: criteria provided, single submitter. Criteria: GeneDx Variant Classification (06012015). Collection method: clinical testing. Allele origin: germline. Affected: yes.
Comment: This variant is considered likely benign or benign based on one or more of the following criteria: it is a conservative change, it occurs at a poorly conserved position in the protein, it is predicted to be benign by multiple in silico algorithms, and/or has population frequency not consistent with disease.